The following is an entry in ClinVar:

ClinVar aggregate classification (germline): Uncertain significance (1 of 4 stars; one submission).

Conditions:
Cardiovascular phenotype. Identifiers: MedGen CN230736.

Submission:

Ambry Genetics
Classification: Uncertain significance for Cardiovascular phenotype. Last evaluated: 2025-12-10. Review status: criteria provided, single submitter. Criteria: Ambry Variant Classification Scheme 2023. Collection method: clinical testing. Allele origin: germline.
Comment: The p.P3084L variant (also known as c.9251C>T), located in coding exon 38 of the ANK2 gene, results from a C to T substitution at nucleotide position 9251. The proline at codon 3084 is replaced by leucine, an amino acid with similar properties. This amino acid position is conserved. In addition, this alteration is predicted to be deleterious by in silico analysis. Based on the available evidence, the clinical significance of this variant remains unclear.

NM_001148.6(ANK2):c.9251C>T (p.Pro3084Leu)

Gene: ANK2 (ankyrin 2; plus strand). Cytogenetic location: 4q26.
Variant type: single nucleotide variant.
Coding change: c.9251C>T on transcript NM_001148.6 (MANE Select); coding-DNA position 9251, C replaced by T.
Protein change: p.Pro3084Leu; replaces proline 3084 with leucine.
Molecular consequence: missense variant. On other transcripts: intron variant (68).
Genome position (GRCh38, 1-based): chr4:113,357,869, C>T. VCF-style: chr4-113357869-C-T. GRCh37 (hg19) VCF-style: chr4-114279025-C-T.
Other names: c.9017C>T, p.Pro3006Leu (NM_001386142.1); c.5651C>T, p.Pro1884Leu (NM_001386166.1); c.9392C>T, p.Pro3131Leu (NM_001386174.1); c.9368C>T, p.Pro3123Leu (NM_001386175.1); c.4412-2954C>T (NM_001386186.2, NM_001386148.2); c.4214-2954C>T (NM_001354269.3); c.4292-2954C>T (NM_001386187.2); c.4253-2954C>T (NM_001386147.1); and 35 more; short protein forms P3006L, P3131L, P1884L, P3123L, P3084L.
Identifiers: ClinVar variation 4613578 (VCV004613578.1).